The following is an entry in ClinVar:

NM_015443.4(KANSL1):c.2330C>T (p.Pro777Leu)

Gene: KANSL1 (KAT8 regulatory NSL complex subunit 1). Cytogenetic location: 17q21.31.
Variant type: single nucleotide variant.
Coding change: c.2330C>T on transcript NM_015443.4 (MANE Select); coding-DNA position 2330, C replaced by T.
Protein change: p.Pro777Leu; replaces proline 777 with leucine.
Molecular consequence: missense variant.
Genome position (GRCh38, 1-based): chr17:46,039,089, G>A on the plus strand (C>T on the coding strand, the complement: KANSL1 is on the minus strand). VCF-style: chr17-46039089-G-A. GRCh37 (hg19) VCF-style: chr17-44116455-G-A.
Other names: c.2330C>T, p.Pro777Leu (NM_001193465.2, NM_001379198.1, NM_001193466.2); short protein forms P777L.
Identifiers: ClinVar variation 1043961 (VCV001043961.8), dbSNP rs904766735, ClinGen allele CA399981009.

ClinVar aggregate classification (germline): Uncertain significance (1 of 4 stars; one submission).

Conditions:
Koolen-de Vries syndrome (KDVS). Identifiers: Orphanet 96169, MedGen C1864871, MONDO:0012496, OMIM 610443.

Submission:

Labcorp Genetics (formerly Invitae), Labcorp
Classification: Uncertain significance for Koolen-de Vries syndrome. Last evaluated: 2020-10-25. Review status: criteria provided, single submitter. Criteria: Invitae Variant Classification Sherloc (09022015). Collection method: clinical testing. Allele origin: germline.
Comment: In summary, the available evidence is currently insufficient to determine the role of this variant in disease. Therefore, it has been classified as a Variant of Uncertain Significance. Algorithms developed to predict the effect of missense changes on protein structure and function output the following: SIFT: "Deleterious"; PolyPhen-2: "Benign"; Align-GVGD: "Class C0". The leucine amino acid residue is found in multiple mammalian species, suggesting that this missense change does not adversely affect protein function. These predictions have not been confirmed by published functional studies and their clinical significance is uncertain. This variant has not been reported in the literature in individuals with KANSL1-related conditions. This variant is not present in population databases (ExAC no frequency). This sequence change replaces proline with leucine at codon 777 of the KANSL1 protein (p.Pro777Leu). The proline residue is moderately conserved and there is a moderate physicochemical difference between proline and leucine.